The following is an entry in ClinVar:

ClinVar aggregate classification (germline): Pathogenic (1 of 4 stars; one submission).

Conditions:
GM3 synthase deficiency (SPDRS). Also called: SALT AND PEPPER MENTAL RETARDATION SYNDROME; SALT AND PEPPER DEVELOPMENTAL REGRESSION SYNDROME; AMISH INFANTILE EPILEPSY SYNDROME. Identifiers: Orphanet 171714, Orphanet 370933, MedGen C1836824, MONDO:0018274, OMIM 609056.

Submission:

Labcorp Genetics (formerly Invitae), Labcorp
Classification: Pathogenic for GM3 synthase deficiency. Last evaluated: 2020-02-27. Review status: criteria provided, single submitter. Criteria: Invitae Variant Classification Sherloc (09022015). Collection method: clinical testing. Allele origin: germline.
Comment: This sequence change creates a premature translational stop signal (p.Arg11Profs*19) in the ST3GAL5 gene. It is expected to result in an absent or disrupted protein product. The frequency data for this variant in the population databases is considered unreliable, as metrics indicate insufficient coverage at this position in the ExAC database. This variant has not been reported in the literature in individuals with ST3GAL5-related conditions. Loss-of-function variants in ST3GAL5 are known to be pathogenic (PMID: 15502825, 22990144, 27232954). For these reasons, this variant has been classified as Pathogenic.

Literature cited by the submitters: PubMed 15502825; PubMed 22990144; PubMed 27232954.

NM_003896.4(ST3GAL5):c.32_39del (p.Arg11fs)

Genes: ST3GAL5 (ST3 beta-galactoside alpha-2,3-sialyltransferase 5; minus strand), LOC129934236 (ATAC-STARR-seq lymphoblastoid silent region 11709; plus strand). Cytogenetic location: 2p11.2.
Variant type: Deletion.
Coding change: c.32_39del on transcript NM_003896.4 (MANE Select); coding-DNA positions 32 to 39, 8 bases deleted (GGCGTCCC; older notation c.32_39delGGCGTCCC).
Protein change: p.Arg11fs; shifts the reading frame from arginine 11.
Molecular consequence: frameshift variant. On other transcripts: 5 prime UTR variant (6).
Genome position (GRCh38, 1-based): chr2:85,888,867-85,888,874, GGGACGCC deleted on the plus strand (GGCGTCCC on the coding strand, the reverse complement: ST3GAL5 is on the minus strand); deleting any 8 consecutive bases within chr2:85,888,867-85,888,875 gives the same sequence; the c. name uses the placement nearest the transcript's 3' end. VCF-style (leftmost placement, unchanged base first): chr2-85888866-GGGGACGCC-G. GRCh37 (hg19) VCF-style: chr2-86115989-GGGGACGCC-G.
Other names: c.-931_-924del (NM_001354223.2); c.-593_-586del (NM_001354224.2); c.-530_-523del (NM_001354226.2); c.-240_-233del (NM_001354227.2); c.-184_-177del (NM_001354229.2); c.-970_-963del (NM_001354233.2); c.32_39del, p.Arg11fs (NM_001363847.1); short protein forms R11fs.
Identifiers: ClinVar variation 1075293 (VCV001075293.2), dbSNP rs2104282063, ClinGen allele CA2499216282.